The following is an entry in ClinVar:

NM_001321103.2(SLC4A7):c.2141T>G (p.Ile714Ser)

Gene: SLC4A7 (solute carrier family 4 member 7; minus strand). Cytogenetic location: 3p24.1.
Variant type: single nucleotide variant.
Coding change: c.2141T>G on transcript NM_001321103.2 (MANE Select); coding-DNA position 2141, T replaced by G.
Protein change: p.Ile714Ser; replaces isoleucine 714 with serine.
Molecular consequence: missense variant. On other transcripts: non-coding transcript variant (4).
Genome position (GRCh38, 1-based): chr3:27,403,319, A>C on the plus strand (T>G on the coding strand, the complement: SLC4A7 is on the minus strand). VCF-style: chr3-27403319-A-C. GRCh37 (hg19) VCF-style: chr3-27444810-A-C.
Other names: c.1757T>G, p.Ile586Ser (NM_001258379.2, NM_001321107.2); c.1742T>G, p.Ile581Ser (NM_001258380.2); c.2102T>G, p.Ile701Ser (NM_001321104.2, NM_001321105.2); c.2090T>G, p.Ile697Ser (NM_001321106.2); c.1769T>G, p.Ile590Ser (NM_001321108.2); c.2114T>G, p.Ile705Ser (NM_003615.5); short protein forms I581S, I586S, I590S, I697S, I701S, I705S, I714S.
Identifiers: ClinVar variation 2653637 (VCV002653637.24), dbSNP rs2471911852, ClinGen allele CA351923023.

ClinVar aggregate classification (germline): Uncertain significance (1 of 4 stars; one submission).

Submission:

CeGaT Center for Human Genetics Tuebingen
Classification: Uncertain significance. Last evaluated: 2023-10-01. Review status: criteria provided, single submitter. Criteria: CeGaT Center For Human Genetics Tuebingen Variant Classification Criteria Version 2. Collection method: clinical testing. Allele origin: germline. Affected: yes. Observed: 1 variant allele.
Comment: SLC4A7: PM2, PP3